The following is an entry in ClinVar:

ClinVar aggregate classification (germline): Uncertain significance (1 of 4 stars; one submission).

Conditions:
Familial thoracic aortic aneurysm and aortic dissection (TAAD). Also called: Thoracic aortic aneurysms and dissections. Identifiers: Orphanet 91387, MedGen C4707243, MONDO:0019625.

Submission:

Color Diagnostics, LLC DBA Color Health
Classification: Uncertain significance for Familial thoracic aortic aneurysm and aortic dissection. Last evaluated: 2024-08-05. Review status: criteria provided, single submitter. Criteria: ACMG Guidelines, 2015. Collection method: clinical testing. Allele origin: germline.
Comment: This missense variant replaces lysine with glutamine at codon 1286 of the COL3A1 protein. Computational prediction suggests that this variant may not impact protein structure and function (internally defined REVEL score threshold <= 0.5, PMID: 27666373). To our knowledge, functional studies have not been reported for this variant. This variant has not been reported in individuals affected with COL3A1-related disorders in the literature. This variant has not been identified in the general population by the Genome Aggregation Database (gnomAD). The available evidence is insufficient to determine the role of this variant in disease conclusively. Therefore, this variant is classified as a Variant of Uncertain Significance.

NM_000090.4(COL3A1):c.3856A>C (p.Lys1286Gln)

Gene: COL3A1 (collagen type III alpha 1 chain; plus strand). Cytogenetic location: 2q32.2.
Variant type: single nucleotide variant.
Coding change: c.3856A>C on transcript NM_000090.4 (MANE Select); coding-DNA position 3856, A replaced by C.
Protein change: p.Lys1286Gln; replaces lysine 1286 with glutamine.
Molecular consequence: missense variant.
Genome position (GRCh38, 1-based): chr2:189,010,210, A>C. VCF-style: chr2-189010210-A-C. GRCh37 (hg19) VCF-style: chr2-189874936-A-C.
Other names: short protein forms K1286Q.
Identifiers: ClinVar variation 3894041 (VCV003894041.1).